The following is an entry in ClinVar:

NM_000094.4(COL7A1):c.4694G>A (p.Arg1565Lys)

Gene: COL7A1 (collagen type VII alpha 1 chain; minus strand). Cytogenetic location: 3p21.31.
Variant type: single nucleotide variant.
Coding change: c.4694G>A on transcript NM_000094.4 (MANE Select); coding-DNA position 4694, G replaced by A.
Protein change: p.Arg1565Lys; replaces arginine 1565 with lysine.
Molecular consequence: missense variant.
Genome position (GRCh38, 1-based): chr3:48,581,734, C>T on the plus strand (G>A on the coding strand, the complement: COL7A1 is on the minus strand). VCF-style: chr3-48581734-C-T. GRCh37 (hg19) VCF-style: chr3-48619167-C-T.
Other names: short protein forms R1565K.
Identifiers: ClinVar variation 2827902 (VCV002827902.3), dbSNP rs767851527, ClinGen allele CA352685767.

ClinVar aggregate classification (germline): Uncertain significance (1 of 4 stars; one submission).

gnomAD v4.1: 2 of 1,614,120 alleles (0.00012%); highest among the groups gnomAD compares: Non-Finnish European, 0.00017%; no homozygotes.

Submission:

Labcorp Genetics (formerly Invitae), Labcorp
Classification: Uncertain significance. Last evaluated: 2023-01-12. Review status: criteria provided, single submitter. Criteria: Invitae Variant Classification Sherloc (09022015). Collection method: clinical testing. Allele origin: germline.
Comment: This sequence change replaces arginine, which is basic and polar, with lysine, which is basic and polar, at codon 1565 of the COL7A1 protein (p.Arg1565Lys). In summary, the available evidence is currently insufficient to determine the role of this variant in disease. Therefore, it has been classified as a Variant of Uncertain Significance. Advanced modeling of protein sequence and biophysical properties (such as structural, functional, and spatial information, amino acid conservation, physicochemical variation, residue mobility, and thermodynamic stability) performed at Invitae indicates that this missense variant is not expected to disrupt COL7A1 protein function. This variant has not been reported in the literature in individuals affected with COL7A1-related conditions. This variant is not present in population databases (gnomAD no frequency).